The following is an entry in ClinVar:

NM_001035.3(RYR2):c.4538C>T (p.Ala1513Val)

Gene: RYR2 (ryanodine receptor 2; plus strand). Cytogenetic location: 1q43.
Variant type: single nucleotide variant.
Coding change: c.4538C>T on transcript NM_001035.3 (MANE Select); coding-DNA position 4538, C replaced by T.
Protein change: p.Ala1513Val; replaces alanine 1513 with valine.
Molecular consequence: missense variant.
Genome position (GRCh38, 1-based): chr1:237,595,599, C>T. VCF-style: chr1-237595599-C-T. GRCh37 (hg19) VCF-style: chr1-237758899-C-T.
Other names: short protein forms A1513V.
Identifiers: ClinVar variation 921904 (VCV000921904.53), dbSNP rs895086218, ClinGen allele CA39807432.

ClinVar aggregate classification (germline): Uncertain significance. Review status: criteria provided, multiple submitters, no conflicts (2 of 4 stars). 3 submissions from 3 submitters: Uncertain significance (3). Last evaluated 2024-06-19.

Conditions:
Catecholaminergic polymorphic ventricular tachycardia (CVPT). Also called: Catecholamine-induced polymorphic ventricular tachycardia. Identifiers: Orphanet 3286, MedGen C5574922, MONDO:0017990.
Catecholaminergic polymorphic ventricular tachycardia 1. Also called: VENTRICULAR TACHYCARDIA, CATECHOLAMINERGIC POLYMORPHIC, 1, WITH OR WITHOUT ATRIAL DYSFUNCTION AND/OR DILATED CARDIOMYOPATHY; RYR2-Related Catecholaminergic Polymorphic Ventricular Tachycardia; VENTRICULAR TACHYCARDIA, STRESS-INDUCED POLYMORPHIC 1. Identifiers: Orphanet 3286, MedGen C1631597, MONDO:0011484, OMIM 604772.
Cardiomyopathy (CMYO). Also called: Cardiomyopathies. Identifiers: Orphanet 167848, MedGen C0878544, MONDO:0004994, HP:0001638. Inheritance: Various modes of inheritance.

Allele frequency attached by ClinVar (database versions not stated): TOPMed below 0.00001; gnomAD 0.00001; gnomAD exomes 0.00001.
gnomAD v4.1: 6 of 1,613,276 alleles (0.00037%); highest among the groups gnomAD compares: Non-Finnish European, 0.00042%; 1 homozygote.

Submissions (3):

Labcorp Genetics (formerly Invitae), Labcorp
Classification: Uncertain significance for Catecholaminergic polymorphic ventricular tachycardia 1. Last evaluated: 2024-06-19. Review status: criteria provided, single submitter. Criteria: Invitae Variant Classification Sherloc (09022015). Collection method: clinical testing. Allele origin: germline.
Comment: This sequence change replaces alanine, which is neutral and non-polar, with valine, which is neutral and non-polar, at codon 1513 of the RYR2 protein (p.Ala1513Val). This variant is present in population databases (no rsID available, gnomAD 0.007%). This variant has not been reported in the literature in individuals affected with RYR2-related conditions. ClinVar contains an entry for this variant (Variation ID: 921904). Advanced modeling of protein sequence and biophysical properties (such as structural, functional, and spatial information, amino acid conservation, physicochemical variation, residue mobility, and thermodynamic stability) performed at Invitae indicates that this missense variant is not expected to disrupt RYR2 protein function with a negative predictive value of 95%. In summary, the available evidence is currently insufficient to determine the role of this variant in disease. Therefore, it has been classified as a Variant of Uncertain Significance.

Color Diagnostics, LLC DBA Color Health
Classification: Uncertain significance for Cardiomyopathy. Last evaluated: 2023-12-04. Review status: criteria provided, single submitter. Criteria: ACMG Guidelines, 2015. Collection method: clinical testing. Allele origin: germline.
Comment: Variant of Uncertain Significance due to insufficient evidence: This missense variant is located in the SPRY domain 3 in the cytoplasmic domain of the RYR2 protein. Computational prediction tools and conservation analyses are inconclusive regarding the impact of this variant on the protein function. Computational splicing tools suggest that this variant may not impact RNA splicing. To our knowledge, functional assays have not been performed for this variant nor has this variant been reported in individuals affected with cardiovascular disorders in the literature. This variant has been identified in 1/30980 chromosomes in the general population by the Genome Aggregation Database (gnomAD). Available evidence is insufficient to determine the pathogenicity of this variant conclusively.

All of Us Research Program, National Institutes of Health
Classification: Uncertain significance for Catecholaminergic polymorphic ventricular tachycardia. Last evaluated: 2023-08-15. Review status: criteria provided, single submitter. Criteria: ACMG Guidelines, 2015. Collection method: clinical testing. Allele origin: germline. Inheritance: Autosomal dominant inheritance. Observed: 1 variant allele, 1 heterozygote.
Comment: Variant of Uncertain Significance due to insufficient evidence: This missense variant is located in the SPRY domain 3 in the cytoplasmic domain of the RYR2 protein. Computational prediction tools and conservation analyses are inconclusive regarding the impact of this variant on the protein function. Computational splicing tools suggest that this variant may not impact RNA splicing. To our knowledge, functional assays have not been performed for this variant nor has this variant been reported in individuals affected with cardiovascular disorders in the literature. This variant has been identified in 1/30980 chromosomes in the general population by the Genome Aggregation Database (gnomAD). Available evidence is insufficient to determine the pathogenicity of this variant conclusively.

This study involves interpretation of variants in research participants for the purpose of population health screening. Participant phenotype was not available at the time of variant classification. Additional details can be found in publication PMID: 35346344, PMCID: PMC8962531